The following is an entry in ClinVar:

NM_001244008.2(KIF1A):c.1153G>A (p.Ala385Thr)

Gene: KIF1A (kinesin family member 1A; minus strand). Cytogenetic location: 2q37.3.
Variant type: single nucleotide variant.
Coding change: c.1153G>A on transcript NM_001244008.2 (MANE Select); coding-DNA position 1153, G replaced by A.
Protein change: p.Ala385Thr; replaces alanine 385 with threonine.
Molecular consequence: missense variant.
Genome position (GRCh38, 1-based): chr2:240,773,141, C>T on the plus strand (G>A on the coding strand, the complement: KIF1A is on the minus strand). VCF-style: chr2-240773141-C-T. GRCh37 (hg19) VCF-style: chr2-241712558-C-T.
Other names: c.1153G>A, p.Ala385Thr (NM_001320705.2, NM_001330289.2, NM_001330290.2 and 21 more transcripts); short protein forms A385T.
Identifiers: ClinVar variation 2147579 (VCV002147579.4), dbSNP rs771284647, ClinGen allele CA2208533.
Genomic context (GRCh38, chr2:240,773,141, plus strand): 5'-CCCTGTCCAGGACAGGCTGGAGCAGGCACTCACTGTCAGTGATGTCGCCAAGACCCTGGG[C>T]GTACAGAAGGTCCCGCAGCCGGGTCACCTCATCCTTCAGCTCGCGGATCAGCTTGTTGTT-3'
Protein context (NP_001230937.1, residues 375-395): EVTRLRDLLY[Ala385Thr]QGLGDITDTN

ClinVar aggregate classification (germline): Uncertain significance (1 of 4 stars; one submission).

Conditions:
Neuropathy, hereditary sensory, type 2C. Also called: Hereditary sensory and autonomic neuropathy type IIC; KIF1A-Related HSAN2 (HSAN2C). Identifiers: Orphanet 970, MedGen C3280168, MONDO:0013634, OMIM 614213.
Intellectual disability, autosomal dominant 9 (NESCAVS). Also called: NESCAV SYNDROME; KIF1A-Related Neurodevelopmental Disorder. Identifiers: Orphanet 662367, MedGen C5393830, MONDO:0013656, OMIM 614255.
Hereditary spastic paraplegia 30. Identifiers: Orphanet 101010, MedGen C5235139, MONDO:0012476.

Allele frequency attached by ClinVar (database versions not stated): ExAC 0.00001; gnomAD 0.00001; gnomAD exomes 0.00002; TOPMed 0.00002.
gnomAD v4.1: 27 of 1,613,568 alleles (0.0017%); highest among the groups gnomAD compares: South Asian, 0.0033%; no homozygotes.

Submission:

Labcorp Genetics (formerly Invitae), Labcorp
Classification: Uncertain significance for Hereditary spastic paraplegia 30; Neuropathy, hereditary sensory, type 2C; Intellectual disability, autosomal dominant 9. Last evaluated: 2025-01-02. Review status: criteria provided, single submitter. Criteria: Invitae Variant Classification Sherloc (09022015). Collection method: clinical testing. Allele origin: germline.
Comment: This sequence change replaces alanine, which is neutral and non-polar, with threonine, which is neutral and polar, at codon 385 of the KIF1A protein (p.Ala385Thr). The frequency data for this variant in the population databases is considered unreliable, as metrics indicate poor data quality at this position in the gnomAD database. This variant has not been reported in the literature in individuals affected with KIF1A-related conditions. ClinVar contains an entry for this variant (Variation ID: 2147579). Invitae Evidence Modeling of protein sequence and biophysical properties (such as structural, functional, and spatial information, amino acid conservation, physicochemical variation, residue mobility, and thermodynamic stability) indicates that this missense variant is expected to disrupt KIF1A protein function with a positive predictive value of 95%. In summary, the available evidence is currently insufficient to determine the role of this variant in disease. Therefore, it has been classified as a Variant of Uncertain Significance.